The following is an entry in ClinVar:

ClinVar aggregate classification (germline): Uncertain significance. Review status: criteria provided, multiple submitters, no conflicts (2 of 4 stars). 2 submissions from 2 submitters: Uncertain significance (2). Last evaluated 2022-08-27.

Conditions:
Familial thoracic aortic aneurysm and aortic dissection (TAAD). Also called: Thoracic aortic aneurysms and dissections. Identifiers: Orphanet 91387, MedGen C4707243, MONDO:0019625.
Aortic aneurysm, familial thoracic 7 (AAT7). Also called: AORTIC DISSECTION, FAMILIAL, WITH OR WITHOUT AORTIC ANEURYSM. Identifiers: MedGen C3151077, MONDO:0013418, OMIM 613780.

Submissions (2):

Labcorp Genetics (formerly Invitae), Labcorp
Classification: Uncertain significance for Aortic aneurysm, familial thoracic 7. Last evaluated: 2022-08-27. Review status: criteria provided, single submitter. Criteria: Invitae Variant Classification Sherloc (09022015). Collection method: clinical testing. Allele origin: germline.
Comment: This sequence change replaces glycine, which is neutral and non-polar, with glutamic acid, which is acidic and polar, at codon 1572 of the MYLK protein (p.Gly1572Glu). This variant is not present in population databases (gnomAD no frequency). This variant has not been reported in the literature in individuals affected with MYLK-related conditions. ClinVar contains an entry for this variant (Variation ID: 409698). Advanced modeling of protein sequence and biophysical properties (such as structural, functional, and spatial information, amino acid conservation, physicochemical variation, residue mobility, and thermodynamic stability) performed at Invitae indicates that this missense variant is expected to disrupt MYLK protein function. In summary, the available evidence is currently insufficient to determine the role of this variant in disease. Therefore, it has been classified as a Variant of Uncertain Significance.

Ambry Genetics
Classification: Uncertain significance for Familial thoracic aortic aneurysm and aortic dissection. Last evaluated: 2022-01-10. Review status: criteria provided, single submitter. Criteria: Ambry Variant Classification Scheme 2023. Collection method: clinical testing. Allele origin: germline.
Comment: The p.G1572E variant (also known as c.4715G>A), located in coding exon 25 of the MYLK gene, results from a G to A substitution at nucleotide position 4715. The glycine at codon 1572 is replaced by glutamic acid, an amino acid with similar properties. This amino acid position is conserved. In addition, this alteration is predicted to be deleterious by in silico analysis. Since supporting evidence is limited at this time, the clinical significance of this alteration remains unclear.

NM_053025.4(MYLK):c.4715G>A (p.Gly1572Glu)

Gene: MYLK (myosin light chain kinase; minus strand). Cytogenetic location: 3q21.1.
Variant type: single nucleotide variant.
Coding change: c.4715G>A on transcript NM_053025.4 (MANE Select); coding-DNA position 4715, G replaced by A.
Protein change: p.Gly1572Glu; replaces glycine 1572 with glutamic acid.
Molecular consequence: missense variant.
Genome position (GRCh38, 1-based): chr3:123,640,409, C>T on the plus strand (G>A on the coding strand, the complement: MYLK is on the minus strand). VCF-style: chr3-123640409-C-T. GRCh37 (hg19) VCF-style: chr3-123359256-C-T.
Other names: c.4187G>A, p.Gly1396Glu (NM_001321309.2); c.4508G>A, p.Gly1503Glu (NM_053026.4, NM_053028.4); c.4715G>A, p.Gly1572Glu (NM_053027.4); short protein forms G1572E, G1396E, G1503E.
Identifiers: ClinVar variation 409698 (VCV000409698.12), dbSNP rs1060502534, ClinGen allele CA16611326.